The following is an entry in ClinVar:

NM_000444.6(PHEX):c.1664T>C (p.Leu555Pro)

Genes: PHEX (phosphate regulating endopeptidase X-linked; plus strand), PTCHD1-AS (PTCHD1 and PHEX antisense RNA; minus strand). Cytogenetic location: Xp22.11.
Variant type: single nucleotide variant.
Coding change: c.1664T>C on transcript NM_000444.6 (MANE Select); coding-DNA position 1664, T replaced by C.
Protein change: p.Leu555Pro; replaces leucine 555 with proline.
Molecular consequence: missense variant.
Genome position (GRCh38, 1-based): chrX:22,212,922, T>C. VCF-style: chrX-22212922-T-C. GRCh37 (hg19) VCF-style: chrX-22231039-T-C.
Other names: c.1664T>C, p.Leu555Pro (NM_001282754.2); short protein forms L555P.
Identifiers: ClinVar variation 10819 (VCV000010819.12), dbSNP rs137853270, ClinGen allele CA255560.
Genomic context (GRCh38, chrX:22,212,922, plus strand): 5'-ATCAATCTCTCTATATCTCTTAACATTTTTTCCTTCTCATAGGATTTCCAGCAGGAGAGC[T>C]CCAGAAGCCTTTCTTTTGGGGAACAGAATATCCTCGGTGAGTAAATGAGTACAGAAACCA-3'
Protein context (NP_000435.3, residues 545-565): TNQIRFPAGE[Leu555Pro]QKPFFWGTEY

ClinVar aggregate classification (germline): Pathogenic/Likely pathogenic. Review status: criteria provided, multiple submitters, no conflicts (2 of 4 stars). 3 submissions from 3 submitters: Pathogenic (1); Likely pathogenic (1). 1 of the submissions does not count toward it. Last evaluated 2025-08-11.

Conditions:
PHEX-related disorder. Also called: PHEX-related condition.
Familial X-linked hypophosphatemic vitamin D refractory rickets (XLHRD). Also called: Hypophosphatemia, vitamin D-resistant rickets; Vitamin D-resistant rickets, X-linked; Hypophosphatemic Rickets, X-Linked Dominant; X-Linked Hypophosphatemia; HYPOPHOSPHATEMIC VITAMIN D-RESISTANT RICKETS. Identifiers: Orphanet 89936, MedGen C0733682, MONDO:0010619, OMIM 307800.

Submissions (3):

PreventionGenetics, part of Exact Sciences
Classification: Likely pathogenic for PHEX-related condition. Last evaluated: 2025-08-11. Review status: criteria provided, single submitter. Criteria: ACMG Guidelines, 2015. Collection method: clinical testing. Allele origin: germline.
Comment: The PHEX c.1664T>C variant is predicted to result in the amino acid substitution p.Leu555Pro. This variant has been reported to segregate with X-linked hypophosphataemic rickets in a multi-generation pedigree (Econs et al. 1998. PubMed ID: 9768646). This variant has not been reported in a large population database (gnomAD), indicating this variant is rare. This variant is interpreted as likely pathogenic.

Labcorp Genetics (formerly Invitae), Labcorp
Classification: Pathogenic. Last evaluated: 2023-03-16. Review status: criteria provided, single submitter. Criteria: Invitae Variant Classification Sherloc (09022015). Collection method: clinical testing. Allele origin: germline.
Comment: For these reasons, this variant has been classified as Pathogenic. Advanced modeling of protein sequence and biophysical properties (such as structural, functional, and spatial information, amino acid conservation, physicochemical variation, residue mobility, and thermodynamic stability) performed at Invitae indicates that this missense variant is expected to disrupt PHEX protein function. ClinVar contains an entry for this variant (Variation ID: 10819). This missense change has been observed in individual(s) with hypophosphatemia (PMID: 9768646). It has also been observed to segregate with disease in related individuals. This variant is not present in population databases (gnomAD no frequency). This sequence change replaces leucine, which is neutral and non-polar, with proline, which is neutral and non-polar, at codon 555 of the PHEX protein (p.Leu555Pro).

OMIM
Classification: Pathogenic for HYPOPHOSPHATEMIC RICKETS, X-LINKED DOMINANT. Last evaluated: 1998-10-01. Review status: no assertion criteria provided. Collection method: literature only. Allele origin: germline. Not counted in ClinVar's aggregate classification.

Literature cited by the submitters: PubMed 9768646 (cited by Labcorp Genetics (formerly Invitae), Labcorp and OMIM); PubMed 188828 (cited by OMIM).